The following is an entry in ClinVar:

ClinVar aggregate classification (germline): Pathogenic. Review status: reviewed by expert panel (3 of 4 stars). 8 submissions from 8 submitters: Pathogenic (1). 7 of the submissions do not count toward it. Last evaluated 2016-09-08.

Conditions:
Ovarian neoplasm. Also called: Neoplasm of ovary; Ovarian tumor; Ovarian Neoplasms. Identifiers: MedGen C0919267, MeSH D010051, MONDO:0021068, HP:0100615.
Hereditary breast ovarian cancer syndrome. Also called: Hereditary breast and ovarian cancer syndrome (HBOC); Breast and ovarian cancer; Hereditary breast and ovarian cancer syndrome; Hereditary breast and ovarian cancer; BRCA1- and BRCA2-Associated Hereditary Breast and Ovarian Cancer; Hereditary breast and/or ovarian cancer syndrome. Identifiers: Orphanet 145, MedGen C0677776, MeSH D061325, MONDO:0003582. Disease mechanism: loss of function.
Breast-ovarian cancer, familial, susceptibility to, 1 (BROVCA1). Also called: BRCA1 Hereditary Breast and Ovarian Cancer; OVARIAN CANCER, SUSCEPTIBILITY TO. Identifiers: Orphanet 145, MedGen C2676676, MONDO:0011450, OMIM 604370. Disease mechanism: loss of function.
Familial cancer of breast. Also called: BREAST CANCER, FAMILIAL; hereditary breast carcinoma; Hereditary breast cancer. Identifiers: Orphanet 227535, MedGen C0346153, MONDO:0016419, OMIM 114480. Disease mechanism: loss of function.

Submissions (8):

Evidence-based Network for the Interpretation of Germline Mutant Alleles (ENIGMA)
Classification: Pathogenic for Breast-ovarian cancer, familial, susceptibility to, 1. Last evaluated: 2016-09-08. Review status: reviewed by expert panel. Criteria: ENIGMA BRCA1/2 Classification Criteria (2015). Collection method: curation. Allele origin: germline.
Comment: Variant allele predicted to encode a truncated non-functional protein.

Institute of Medical Genetics and Applied Genomics, University Hospital Tübingen
Classification: Pathogenic for Familial cancer of breast. Last evaluated: 2024-04-22. Review status: criteria provided, single submitter. Criteria: ACMG Guidelines, 2015. Collection method: clinical testing. Allele origin: germline. Inheritance: Autosomal dominant inheritance. Affected: yes. Not counted in ClinVar's aggregate classification.

Institute of Human Genetics, University of Leipzig Medical Center
Classification: Pathogenic for Breast-ovarian cancer, familial, susceptibility to, 1. Last evaluated: 2023-08-07. Review status: criteria provided, single submitter. Criteria: ACMG Guidelines, 2015. Collection method: clinical testing. Allele origin: unknown. Inheritance: Autosomal dominant inheritance. Affected: yes. Not counted in ClinVar's aggregate classification.
Comment: Criteria applied: PVS1,PS4_MOD,PM2_SUP

Labcorp Genetics (formerly Invitae), Labcorp
Classification: Pathogenic for Hereditary breast ovarian cancer syndrome. Last evaluated: 2023-05-02. Review status: criteria provided, single submitter. Criteria: Invitae Variant Classification Sherloc (09022015). Collection method: clinical testing. Allele origin: germline. Not counted in ClinVar's aggregate classification.
Comment: This premature translational stop signal has been observed in individual(s) with breast cancer (PMID: 25863477, 29339979). For these reasons, this variant has been classified as Pathogenic. ClinVar contains an entry for this variant (Variation ID: 254459). This variant is not present in population databases (gnomAD no frequency). This sequence change creates a premature translational stop signal (p.Arg1645Lysfs*14) in the BRCA1 gene. It is expected to result in an absent or disrupted protein product. Loss-of-function variants in BRCA1 are known to be pathogenic (PMID: 20104584).

Consortium of Investigators of Modifiers of BRCA1/2 (CIMBA), c/o University of Cambridge
Classification: Pathogenic for Breast-ovarian cancer, familial, susceptibility to, 1. Last evaluated: 2015-10-02. Review status: criteria provided, single submitter. Criteria: CIMBA Mutation Classification guidelines May 2016. Collection method: clinical testing. Allele origin: germline. Not counted in ClinVar's aggregate classification.

Department of Medical Genetics, Oslo University Hospital
Classification: Pathogenic for Breast-ovarian cancer, familial, susceptibility to, 1. Last evaluated: 2015-07-01. Review status: criteria provided, single submitter. Criteria: ACMG Guidelines, 2015. Collection method: clinical testing. Allele origin: germline. Affected: yes. Observed: 2 variant alleles. Not counted in ClinVar's aggregate classification.

German Consortium for Hereditary Breast and Ovarian Cancer, University Hospital Cologne
Classification: Pathogenic for Ovarian neoplasm. Last evaluated: 2018-12-01. Review status: no assertion criteria provided. Collection method: research. Allele origin: germline. Affected: yes. Not counted in ClinVar's aggregate classification.

Breast Cancer Information Core (BIC) (BRCA1)
Classification: Pathogenic for Breast-ovarian cancer, familial 1. Last evaluated: 2004-11-25. Review status: no assertion criteria provided. Collection method: clinical testing. Allele origin: germline. Affected: yes. Observed: 1 variant allele. Not counted in ClinVar's aggregate classification.

Literature cited by the submitters: PubMed 25863477 (cited by Labcorp Genetics (formerly Invitae), Labcorp); PubMed 29339979 (cited by Labcorp Genetics (formerly Invitae), Labcorp); PubMed 20104584 (cited by Labcorp Genetics (formerly Invitae), Labcorp).

NM_007294.4(BRCA1):c.4932_4933dup (p.Arg1645fs)

Gene: BRCA1 (BRCA1 DNA repair associated; minus strand). Cytogenetic location: 17q21.31.
Variant type: Duplication.
Coding change: c.4932_4933dup on transcript NM_007294.4 (MANE Select); coding-DNA positions 4932 to 4933, 2 bases duplicated (AA; older notation c.4932_4933dupAA).
Protein change: p.Arg1645fs; shifts the reading frame from arginine 1645.
Molecular consequence: frameshift variant. On other transcripts: non-coding transcript variant (1).
Genome position (GRCh38, 1-based): chr17:43,070,981-43,070,982, TT duplicated on the plus strand (AA on the coding strand, the reverse complement: BRCA1 is on the minus strand); duplicating any 2 consecutive bases within chr17:43,070,981-43,070,983 gives the same sequence; the c. name uses the placement nearest the transcript's 3' end. VCF-style (leftmost placement, unchanged base first): chr17-43070980-C-CTT. GRCh37 (hg19) VCF-style: chr17-41222997-C-CTT.
Other names: 5052insAA; c.4932_4933dupAA (NM_007294.3); c.4718_4719dup, p.Arg1574Lysfs (NM_001407571.1, NM_001407894.1, NM_001407895.1 and 12 more transcripts); c.4997_4998dup, p.Arg1667Lysfs (NM_001407581.1, NM_001407582.1); c.4994_4995dup, p.Arg1666Lysfs (NM_001407583.1, NM_001407585.1, NM_001407587.1); c.4991_4992dup, p.Arg1665Lysfs (NM_001407590.1, NM_001407591.1); c.4931_4932dup, p.Arg1645Lysfs (NM_001407593.1, NM_001407594.1, NM_001407596.1 and 8 more transcripts); c.4928_4929dup, p.Arg1644Lysfs (NM_001407610.1, NM_001407611.1, NM_001407612.1 and 17 more transcripts); and 75 more; short protein forms R1598fs, R541fs, R1645fs, R1666fs.
Identifiers: ClinVar variation 254459 (VCV000254459.13), dbSNP rs80357833, ClinGen allele CA003083.
Genomic context (GRCh38, chr17:43,070,980, plus strand): 5'-ACACTCACAAATTCTTCTGGGGTCAGGCCAGACACCACCATGGACATTCTTTTGTTGACC[C>CTT]TTTCTGTTGAAGCTGTCAATTCTGGCTTCTCCCTGCTCACACTTTCTTCCATTGCATTAT-3'